The following is an entry in ClinVar:

NM_020832.3(ZNF687):c.3508C>A (p.Leu1170Met)

Gene: ZNF687 (zinc finger protein 687; plus strand). Cytogenetic location: 1q21.3.
Variant type: single nucleotide variant.
Coding change: c.3508C>A on transcript NM_020832.3 (MANE Select); coding-DNA position 3508, C replaced by A.
Protein change: p.Leu1170Met; replaces leucine 1170 with methionine.
Molecular consequence: missense variant.
Genome position (GRCh38, 1-based): chr1:151,291,003, C>A. VCF-style: chr1-151291003-C-A. GRCh37 (hg19) VCF-style: chr1-151263479-C-A.
Other names: c.3508C>A, p.Leu1170Met (NM_001304763.2, NM_001304764.2); short protein forms L1170M.
Identifiers: ClinVar variation 1919394 (VCV001919394.5), dbSNP rs1215001672, ClinGen allele CA341964801.

ClinVar aggregate classification (germline): Uncertain significance (1 of 4 stars; one submission).

Allele frequency attached by ClinVar (database versions not stated): gnomAD exomes below 0.00001.
gnomAD v4.1: 4 of 1,613,986 alleles (0.00025%); highest among the groups gnomAD compares: South Asian, 0.0022%; no homozygotes.

Submission:

Labcorp Genetics (formerly Invitae), Labcorp
Classification: Uncertain significance. Last evaluated: 2022-11-11. Review status: criteria provided, single submitter. Criteria: Invitae Variant Classification Sherloc (09022015). Collection method: clinical testing. Allele origin: germline.
Comment: This sequence change replaces leucine, which is neutral and non-polar, with methionine, which is neutral and non-polar, at codon 1170 of the ZNF687 protein (p.Leu1170Met). This variant is present in population databases (no rsID available, gnomAD 0.01%). This variant has not been reported in the literature in individuals affected with ZNF687-related conditions. Algorithms developed to predict the effect of missense changes on protein structure and function are either unavailable or do not agree on the potential impact of this missense change (SIFT: "Tolerated"; PolyPhen-2: "Probably Damaging"; Align-GVGD: "Class C0"). In summary, the available evidence is currently insufficient to determine the role of this variant in disease. Therefore, it has been classified as a Variant of Uncertain Significance.